The following is an entry in ClinVar:

ClinVar aggregate classification (germline): Uncertain significance. Review status: criteria provided, multiple submitters, no conflicts (2 of 4 stars). 3 submissions from 3 submitters: Uncertain significance (3). Last evaluated 2023-11-27.

Conditions:
Hereditary cancer-predisposing syndrome. Also called: Tumor predisposition; Hereditary neoplastic syndrome; Hereditary Cancer Syndrome; Neoplastic Syndromes, Hereditary. Identifiers: Orphanet 140162, MedGen C0027672, MeSH D009386, MONDO:0015356.
Oligodontia-cancer predisposition syndrome. Also called: TOOTH AGENESIS-COLORECTAL CANCER SYNDROME. Identifiers: Orphanet 300576, MedGen C1837750, MONDO:0012075, OMIM 608615. Disease mechanism: loss of function.

Submissions (3):

GeneDx
Classification: Uncertain significance. Last evaluated: 2023-11-27. Review status: criteria provided, single submitter. Criteria: GeneDx Variant Classification Process June 2021. Collection method: clinical testing. Allele origin: germline. Affected: yes.
Comment: Not observed at significant frequency in large population cohorts (gnomAD); In-frame deletion of 1 amino acid in a non-repeat region; In silico analysis supports a deleterious effect on protein structure/function; Has not been previously published as pathogenic or benign to our knowledge

Ambry Genetics
Classification: Uncertain significance for Hereditary cancer-predisposing syndrome. Last evaluated: 2021-07-13. Review status: criteria provided, single submitter. Criteria: Ambry Variant Classification Scheme 2023. Collection method: clinical testing. Allele origin: germline.
Comment: The c.1835_1837delAAG variant (also known as p.E612del) is located in coding exon 6 of the AXIN2 gene. This variant results from an in-frame AAG deletion at nucleotide positions 1835 to 1837. This results in the in-frame deletion of a glutamic acid at codon 612. This amino acid position is not well conserved in available vertebrate species. In addition, the in silico prediction for this alteration is inconclusive (Choi Y et al. PLoS ONE. 2012; 7(10):e46688). Since supporting evidence is limited at this time, the clinical significance of this alteration remains unclear.

Labcorp Genetics (formerly Invitae), Labcorp
Classification: Uncertain significance for Oligodontia-cancer predisposition syndrome. Last evaluated: 2019-07-03. Review status: criteria provided, single submitter. Criteria: Invitae Variant Classification Sherloc (09022015). Collection method: clinical testing. Allele origin: germline.
Comment: In summary, the available evidence is currently insufficient to determine the role of this variant in disease. Therefore, it has been classified as a Variant of Uncertain Significance. Experimental studies and prediction algorithms are not available or were not evaluated for this variant, and the functional significance of the affected amino acid(s) is currently unknown. This variant has not been reported in the literature in individuals with AXIN2-related conditions. This variant is not present in population databases (ExAC no frequency). This variant, c.1835_1837del, results in the deletion of 1 amino acid(s) of the AXIN2 protein (p.Glu612del), but otherwise preserves the integrity of the reading frame.

NM_004655.4(AXIN2):c.1835_1837del (p.Glu612del)

Gene: AXIN2 (axin 2; minus strand). Cytogenetic location: 17q24.1.
Variant type: Deletion.
Coding change: c.1835_1837del on transcript NM_004655.4 (MANE Select); coding-DNA positions 1835 to 1837, 3 bases deleted (AAG; older notation c.1835_1837delAAG).
Protein change: p.Glu612del; deletes glutamic acid 612.
Molecular consequence: inframe deletion. On other transcripts: intron variant (1).
Genome position (GRCh38, 1-based): chr17:65,536,939-65,536,941, CTT deleted on the plus strand (AAG on the coding strand, the reverse complement: AXIN2 is on the minus strand); deleting any 3 consecutive bases within chr17:65,536,939-65,536,942 gives the same sequence; the c. name uses the placement nearest the transcript's 3' end. VCF-style (leftmost placement, unchanged base first): chr17-65536938-CCTT-C. GRCh37 (hg19) VCF-style: chr17-63533056-CCTT-C.
Other names: c.1712+383_1712+385del (NM_001363813.1); c.1835_1837delAAG (NM_004655.3); short protein forms E612del.
Identifiers: ClinVar variation 935998 (VCV000935998.13), dbSNP rs2043933051, ClinGen allele CA1139665829.
Genomic context (GRCh38, chr17:65,536,938, plus strand): 5'-TTGGGCTTGCTCTGCCGCTCACTCTCCAGCATCCACTGCCAGACATCCTGCGACCTGTCT[CCTT>C]CCTCCCGGGGAAGCTGCAGGGCCCCAGCTCCGCCGGGGGCCCCTCCTTCCCTGGCGGGCA-3'